The following is an entry in ClinVar:

NM_005228.5(EGFR):c.3572C>T (p.Thr1191Ile)

Gene: EGFR (epidermal growth factor receptor; plus strand). Cytogenetic location: 7p11.2.
Variant type: single nucleotide variant.
Coding change: c.3572C>T on transcript NM_005228.5 (MANE Select); coding-DNA position 3572, C replaced by T.
Protein change: p.Thr1191Ile; replaces threonine 1191 with isoleucine.
Molecular consequence: missense variant.
Genome position (GRCh38, 1-based): chr7:55,205,556, C>T. VCF-style: chr7-55205556-C-T. GRCh37 (hg19) VCF-style: chr7-55273249-C-T.
Other names: c.3437C>T, p.Thr1146Ile (NM_001346899.2); c.3413C>T, p.Thr1138Ile (NM_001346900.2); c.2771C>T, p.Thr924Ile (NM_001346941.2); short protein forms T1146I, T1191I, T1138I, T924I.
Identifiers: ClinVar variation 959977 (VCV000959977.9), dbSNP rs372948989, ClinGen allele CA4266426.

ClinVar aggregate classification (germline): Conflicting classifications of pathogenicity. Review status: criteria provided, conflicting classifications (1 of 4 stars). 3 submissions from 3 submitters: Uncertain significance (2); Likely benign (1). Last evaluated 2026-01-26.

Conditions:
Inflammatory skin and bowel disease, neonatal, 2 (NNCIS). Identifiers: Orphanet 294023, MedGen C4015130, MONDO:0014481, OMIM 616069.
Lung cancer. Also called: Malignant tumor of lung; Lung cancer, somatic. Identifiers: MedGen C0242379, MONDO:0008903, OMIM 211980.
Hereditary cancer-predisposing syndrome. Also called: Tumor predisposition; Hereditary neoplastic syndrome; Neoplastic Syndromes, Hereditary; Hereditary Cancer Syndrome. Identifiers: Orphanet 140162, MedGen C0027672, MeSH D009386, MONDO:0015356.
EGFR-related lung cancer (EGFR). Identifiers: MedGen CN130014.

Allele frequency attached by ClinVar (database versions not stated): gnomAD exomes below 0.00001 and 0.00001; ExAC 0.00002; TOPMed 0.00004; gnomAD 0.00005; ESP Exome Variant Server 0.00008.
gnomAD v4.1: 14 of 1,614,068 alleles (0.00087%); highest among the groups gnomAD compares: African/African-American, 0.013%; no homozygotes.

Submissions (3):

Labcorp Genetics (formerly Invitae), Labcorp
Classification: Uncertain significance for EGFR-related lung cancer. Last evaluated: 2026-01-26. Review status: criteria provided, single submitter. Criteria: Invitae Variant Classification Sherloc (09022015). Collection method: clinical testing. Allele origin: germline.
Comment: This sequence change replaces threonine, which is neutral and polar, with isoleucine, which is neutral and non-polar, at codon 1191 of the EGFR protein (p.Thr1191Ile). This variant is present in population databases (rs372948989, gnomAD 0.01%). This variant has not been reported in the literature in individuals affected with EGFR-related conditions. ClinVar contains an entry for this variant (Variation ID: 959977). An algorithm developed to predict the effect of missense changes on protein structure and function (PolyPhen-2) suggests that this variant is likely to be tolerated. In summary, the available evidence is currently insufficient to determine the role of this variant in disease. Therefore, it has been classified as a Variant of Uncertain Significance.

Ambry Genetics
Classification: Likely benign for Hereditary cancer-predisposing syndrome. Last evaluated: 2024-12-19. Review status: criteria provided, single submitter. Criteria: Ambry Variant Classification Scheme 2023. Collection method: clinical testing. Allele origin: germline.

Fulgent Genetics
Classification: Uncertain significance for Lung cancer; Inflammatory skin and bowel disease, neonatal, 2. Last evaluated: 2024-05-04. Review status: criteria provided, single submitter. Criteria: ACMG Guidelines, 2015. Collection method: clinical testing. Allele origin: germline.